The following is an entry in ClinVar:

ClinVar aggregate classification (germline): Pathogenic/Likely pathogenic. Review status: criteria provided, multiple submitters, no conflicts (2 of 4 stars). 2 submissions from 2 submitters: Pathogenic (1); Likely pathogenic (1). Last evaluated 2023-12-14.

Conditions:
Basal cell nevus syndrome 1 (BCNS1). Also called: GORLIN-GOLTZ SYNDROME; MULTIPLE BASAL CELL NEVI, ODONTOGENIC KERATOCYSTS, AND SKELETAL ANOMALIES. Identifiers: MedGen CN376810, MONDO:0958174, OMIM 109400.
Gorlin syndrome. Also called: Nevoid Basal Cell Carcinoma Syndrome; Basal cell nevus syndrome. Identifiers: Orphanet 377, MedGen C0004779, MONDO:0007187.

Submissions (2):

3billion
Classification: Likely pathogenic for Basal cell nevus syndrome 1. Last evaluated: 2023-12-14. Review status: criteria provided, single submitter. Criteria: ACMG Guidelines, 2015. Collection method: clinical testing. Allele origin: germline. Affected: yes.
Comment: The variant is not observed in the gnomAD v2.1.1 dataset. Predicted Consequence/Location: Frameshift: predicted to result in a loss or disruption of normal protein function through nonsense-mediated decay (NMD) or protein truncation. Multiple pathogenic variants are reported downstream of the variant. Therefore, this variant is classified as Likely pathogenic according to the recommendation of ACMG/AMP guideline.

Labcorp Genetics (formerly Invitae), Labcorp
Classification: Pathogenic for Gorlin syndrome. Last evaluated: 2023-02-08. Review status: criteria provided, single submitter. Criteria: Invitae Variant Classification Sherloc (09022015). Collection method: clinical testing. Allele origin: germline.
Comment: For these reasons, this variant has been classified as Pathogenic. This variant has not been reported in the literature in individuals affected with PTCH1-related conditions. This sequence change creates a premature translational stop signal (p.Pro253Leufs*16) in the PTCH1 gene. It is expected to result in an absent or disrupted protein product. Loss-of-function variants in PTCH1 are known to be pathogenic (PMID: 16301862, 16419085). This variant is not present in population databases (gnomAD no frequency).

Literature cited by the submitters: PubMed 16301862 (cited by Labcorp Genetics (formerly Invitae), Labcorp); PubMed 16419085 (cited by Labcorp Genetics (formerly Invitae), Labcorp).

NM_000264.5(PTCH1):c.758del (p.Pro253fs)

Gene: PTCH1 (patched 1; minus strand). Cytogenetic location: 9q22.32.
Variant type: Deletion.
Coding change: c.758del on transcript NM_000264.5 (MANE Select); coding-DNA position 758, one base deleted (C; older notation c.758delC).
Protein change: p.Pro253fs; shifts the reading frame from proline 253.
Molecular consequence: frameshift variant. On other transcripts: non-coding transcript variant (1).
Genome position (GRCh38, 1-based): chr9:95,480,577, G deleted on the plus strand (C on the coding strand, the reverse complement: PTCH1 is on the minus strand); the first of 2 consecutive G bases (chr9:95,480,577-95,480,578); deleting either gives the same sequence. VCF-style (leftmost placement, unchanged base first): chr9-95480576-AG-A. GRCh37 (hg19) VCF-style: chr9-98242858-AG-A.
Other names: c.560del, p.Pro187fs (NM_001083602.3); c.755del, p.Pro252fs (NM_001083603.3); c.305del, p.Pro102fs (NM_001083604.3, NM_001083605.3, NM_001083606.3 and 1 more transcripts); c.758del, p.Pro253fs (NM_001354918.2); short protein forms P253fs, P187fs, P252fs, P102fs.
Identifiers: ClinVar variation 2835237 (VCV002835237.4), dbSNP rs2538234385, ClinGen allele CA2739264794.